The following is an entry in ClinVar:

ClinVar aggregate classification (germline): Pathogenic/Likely pathogenic. Review status: criteria provided, multiple submitters, no conflicts (2 of 4 stars). 6 submissions from 6 submitters: Pathogenic (5); Likely pathogenic (1). Last evaluated 2026-02-19.

Conditions:
SLC34A3-related disorder. Also called: SLC34A3-related condition.
Autosomal recessive hypophosphatemic bone disease (HHRH). Also called: HYPERCALCIURIC RICKETS; Hypophosphatemic rickets with hypercalciuria. Identifiers: Orphanet 157215, MedGen C1853271, MONDO:0009431, OMIM 241530.

Allele frequency attached by ClinVar (database versions not stated): gnomAD 0.00001; gnomAD exomes 0.00001 and 0.00002; TOPMed 0.00002; ExAC 0.00005.

Submissions (6):

Victorian Clinical Genetics Services, Murdoch Childrens Research Institute
Classification: Pathogenic for Autosomal recessive hypophosphatemic bone disease. Last evaluated: 2026-02-19. Review status: criteria provided, single submitter. Criteria: ACMG Guidelines, 2015. Collection method: clinical testing. Allele origin: germline. Affected: yes.
Comment: This variant is classified as Pathogenic. Evidence in support of pathogenic classification: Variant is predicted to result in a truncated protein (premature termination codon is NOT located at least 54 nucleotides upstream of the final exon-exon junction) with less than 1/3 of the protein sequence affected; Variant is present in gnomAD (v2) <0.01 for a recessive condition (3 heterozygotes, 0 homozygotes); This variant has moderate previous evidence of pathogenicity in unrelated individuals. This variant has been classified as pathogenic or likely pathogenic by clinical laboratories in ClinVar, and has been observed as compound heterozygous in two siblings with hereditary hypophosphatemic rickets with hypercalciuria (PMID: 31440709); Other downstream truncating variants comparable to the one identified in this case have strong previous evidence for pathogenicity. At least three downstream truncating variants have been reported, two are classified as pathogenic or likely pathogenic by clinical laboratories in ClinVar, and the third was observed as homozygous in an individual with hereditary hypophosphatemic rickets with hypercalciuria (PMID: 22387237). Additional information: This variant is heterozygous; This gene is associated with autosomal recessive disease; No published functional evidence has been identified for this variant; Variant is not located in an established domain, motif, hotspot or informative constraint region; Loss of function is a known mechanism of disease in this gene and is associated with hypophosphatemic rickets with hypercalciuria (MIM#241530); Variants in this gene are known to have variable expressivity. Approximately 45% of compound heterozygotes present with rickets (PMID: 32524022); Heterozygous variant detected in trans with two likely PATHOGENIC heterozygous variants which are in cis (NM_001177316.2(SLC34A3):c.1579_1581del; p.(Leu527del) and NM_001177316.2(SLC34A3):c.413C>T; p.(Ser138Phe)) in a recessive disease.

Rare Kidney Stone Consortium and the Mayo Clinic Hyperoxaluria Center, Mayo Clinic
Classification: Pathogenic for Autosomal recessive hypophosphatemic bone disease. Last evaluated: 2025-05-01. Review status: criteria provided, single submitter. Criteria: ACMG Guidelines, 2015. Collection method: research. Allele origin: germline. Affected: yes.
Comment: ACMG: PVS1, PM2, PP4

Labcorp Genetics (formerly Invitae), Labcorp
Classification: Pathogenic. Last evaluated: 2025-04-01. Review status: criteria provided, single submitter. Criteria: Invitae Variant Classification Sherloc (09022015). Collection method: clinical testing. Allele origin: germline.
Comment: This sequence change creates a premature translational stop signal (p.Trp541*) in the SLC34A3 gene. While this is not anticipated to result in nonsense mediated decay, it is expected to disrupt the last 59 amino acid(s) of the SLC34A3 protein. The frequency data for this variant in the population databases is considered unreliable, as metrics indicate poor data quality at this position in the gnomAD database. This premature translational stop signal has been observed in individual(s) with hypophosphatemic rickets With hypercalciuria (PMID: 31440709). It has also been observed to segregate with disease in related individuals. ClinVar contains an entry for this variant (Variation ID: 423400). This variant disrupts the C-terminus of the SLC34A3 protein. Other variant(s) that disrupt this region (p.Arg547Alafs*41, p.Tyr588*) have been observed in individuals with SLC34A3-related conditions (PMID: 22387237, 29505567). This suggests that this may be a clinically significant region of the protein. For these reasons, this variant has been classified as Pathogenic.

Blueprint Genetics
Classification: Pathogenic for SLC34A3-related disorders. Last evaluated: 2024-11-13. Review status: criteria provided, single submitter. Criteria: ACMG Guidelines, 2015. Collection method: clinical testing. Allele origin: germline. Affected: yes. Observed: 4 variant alleles.

Fulgent Genetics
Classification: Pathogenic for Autosomal recessive hypophosphatemic bone disease. Last evaluated: 2023-12-27. Review status: criteria provided, single submitter. Criteria: ACMG Guidelines, 2015. Collection method: clinical testing. Allele origin: germline.

GeneDx
Classification: Likely pathogenic. Last evaluated: 2017-02-09. Review status: criteria provided, single submitter. Criteria: GeneDx Variant Classification (06012015). Collection method: clinical testing. Allele origin: germline. Affected: yes.
Comment: The W541X variant in the SLC34A3 gene has not been reported previously as a pathogenic variant nor as a benign variant, to our knowledge. This variant is predicted to cause loss of normal protein function through protein truncation. The W541X variant is not observed in large population cohorts (Lek et al., 2016; 1000 Genomes Consortium et al., 2015; Exome Variant Server). We interpret W541X as a likely pathogenic variant.

Literature cited by the submitters: PubMed 32524022 (cited by Victorian Clinical Genetics Services, Murdoch Childrens Research Institute); PubMed 31440709 (cited by 3 submitters); PubMed 22387237 (cited by Victorian Clinical Genetics Services, Murdoch Childrens Research Institute and Labcorp Genetics (formerly Invitae), Labcorp); PubMed 37414395 (cited by Rare Kidney Stone Consortium and the Mayo Clinic Hyperoxaluria Center, Mayo Clinic); PubMed 34805638 (cited by Rare Kidney Stone Consortium and the Mayo Clinic Hyperoxaluria Center, Mayo Clinic); PubMed 31672324 (cited by Rare Kidney Stone Consortium and the Mayo Clinic Hyperoxaluria Center, Mayo Clinic); PubMed 31589614 (cited by Rare Kidney Stone Consortium and the Mayo Clinic Hyperoxaluria Center, Mayo Clinic); PubMed 29505567 (cited by Labcorp Genetics (formerly Invitae), Labcorp).

NM_001177316.2(SLC34A3):c.1623G>A (p.Trp541Ter)

Gene: SLC34A3 (solute carrier family 34 member 3; plus strand). Cytogenetic location: 9q34.3.
Variant type: single nucleotide variant.
Coding change: c.1623G>A on transcript NM_001177316.2 (MANE Select); coding-DNA position 1623, G replaced by A.
Protein change: p.Trp541Ter; replaces tryptophan 541 with a stop codon.
Molecular consequence: nonsense.
Genome position (GRCh38, 1-based): chr9:137,236,239, G>A. VCF-style: chr9-137236239-G-A. GRCh37 (hg19) VCF-style: chr9-140130691-G-A.
Other names: c.1623G>A (NM_001177316.1); c.1623G>A, p.Trp541Ter (NM_001177317.2, NM_080877.3); short protein forms W541*.
Identifiers: ClinVar variation 423400 (VCV000423400.17), dbSNP rs762610288, ClinGen allele CA5365018.